The following is an entry in ClinVar:

NM_198506.5(LRIT3):c.200C>T (p.Thr67Ile)

Gene: LRIT3 (leucine rich repeat, Ig-like and transmembrane domains 3; plus strand). Cytogenetic location: 4q25.
Variant type: single nucleotide variant.
Coding change: c.200C>T on transcript NM_198506.5 (MANE Select); coding-DNA position 200, C replaced by T.
Protein change: p.Thr67Ile; replaces threonine 67 with isoleucine.
Molecular consequence: missense variant.
Genome position (GRCh38, 1-based): chr4:109,851,587, C>T. VCF-style: chr4-109851587-C-T. GRCh37 (hg19) VCF-style: chr4-110772743-C-T.
Other names: short protein forms T67I.
Identifiers: ClinVar variation 2071346 (VCV002071346.1), dbSNP rs1348018568, ClinGen allele CA357871138.

ClinVar aggregate classification (germline): Uncertain significance (1 of 4 stars; one submission).

Allele frequency attached by ClinVar (database versions not stated): gnomAD 0.00001; gnomAD exomes 0.00001.

Submission:

Labcorp Genetics (formerly Invitae), Labcorp
Classification: Uncertain significance. Last evaluated: 2022-09-27. Review status: criteria provided, single submitter. Criteria: Invitae Variant Classification Sherloc (09022015). Collection method: clinical testing. Allele origin: germline.
Comment: This sequence change replaces threonine, which is neutral and polar, with isoleucine, which is neutral and non-polar, at codon 67 of the LRIT3 protein (p.Thr67Ile). This variant is present in population databases (no rsID available, gnomAD 0.02%). This variant has not been reported in the literature in individuals affected with LRIT3-related conditions. Algorithms developed to predict the effect of missense changes on protein structure and function are either unavailable or do not agree on the potential impact of this missense change (SIFT: "Deleterious"; PolyPhen-2: "Probably Damaging"; Align-GVGD: "Class C0"). In summary, the available evidence is currently insufficient to determine the role of this variant in disease. Therefore, it has been classified as a Variant of Uncertain Significance.